The following is an entry in ClinVar:

ClinVar aggregate classification (germline): Uncertain significance. Review status: criteria provided, multiple submitters, no conflicts (2 of 4 stars). 2 submissions from 2 submitters: Uncertain significance (2). Last evaluated 2023-10-27.

Conditions:
Inborn genetic diseases. Identifiers: MedGen C0950123, MeSH D030342.

Allele frequency attached by ClinVar (database versions not stated): gnomAD 0.00003; TOPMed 0.00003; ExAC 0.00007.
gnomAD v4.1: 38 of 1,613,784 alleles (0.0024%); highest among the groups gnomAD compares: African/African-American, 0.0053%; no homozygotes.

Submissions (2):

Ambry Genetics
Classification: Uncertain significance for Inborn genetic diseases. Last evaluated: 2023-10-27. Review status: criteria provided, single submitter. Criteria: Ambry Variant Classification Scheme 2023. Collection method: clinical testing. Allele origin: germline.

Labcorp Genetics (formerly Invitae), Labcorp
Classification: Uncertain significance. Last evaluated: 2022-07-26. Review status: criteria provided, single submitter. Criteria: Invitae Variant Classification Sherloc (09022015). Collection method: clinical testing. Allele origin: germline.
Comment: In summary, the available evidence is currently insufficient to determine the role of this variant in disease. Therefore, it has been classified as a Variant of Uncertain Significance. Algorithms developed to predict the effect of missense changes on protein structure and function are either unavailable or do not agree on the potential impact of this missense change (SIFT: "Not Available"; PolyPhen-2: "Benign"; Align-GVGD: "Not Available"). This variant has not been reported in the literature in individuals affected with MYO18B-related conditions. This variant is present in population databases (rs756196129, gnomAD 0.008%). This sequence change replaces asparagine, which is neutral and polar, with serine, which is neutral and polar, at codon 2181 of the MYO18B protein (p.Asn2181Ser).

NM_032608.7(MYO18B):c.6542A>G (p.Asn2181Ser)

Gene: MYO18B (myosin XVIIIB; plus strand). Cytogenetic location: 22q12.1.
Variant type: single nucleotide variant.
Coding change: c.6542A>G on transcript NM_032608.7 (MANE Select); coding-DNA position 6542, A replaced by G.
Protein change: p.Asn2181Ser; replaces asparagine 2181 with serine.
Molecular consequence: missense variant.
Genome position (GRCh38, 1-based): chr22:26,026,516, A>G. VCF-style: chr22-26026516-A-G. GRCh37 (hg19) VCF-style: chr22-26422482-A-G.
Other names: c.6545A>G, p.Asn2182Ser (NM_001318245.2); c.6542A>G (NM_032608.5); short protein forms N2182S, N2181S.
Identifiers: ClinVar variation 1932505 (VCV001932505.4), dbSNP rs756196129, ClinGen allele CA10161562.